The following is an entry in ClinVar:

NM_002637.4(PHKA1):c.2550C>G (p.His850Gln)

Gene: PHKA1 (phosphorylase kinase regulatory subunit alpha 1; minus strand). Cytogenetic location: Xq13.1.
Variant type: single nucleotide variant.
Coding change: c.2550C>G on transcript NM_002637.4 (MANE Select); coding-DNA position 2550, C replaced by G.
Protein change: p.His850Gln; replaces histidine 850 with glutamine.
Molecular consequence: missense variant.
Genome position (GRCh38, 1-based): chrX:72,609,680, G>C on the plus strand (C>G on the coding strand, the complement: PHKA1 is on the minus strand). VCF-style: chrX-72609680-G-C. GRCh37 (hg19) VCF-style: chrX-71829530-G-C.
Other names: c.2550C>G, p.His850Gln (NM_001122670.2); c.2373C>G, p.His791Gln (NM_001172436.2); short protein forms H791Q, H850Q.
Identifiers: ClinVar variation 2861792 (VCV002861792.3), dbSNP rs1259234066, ClinGen allele CA413589916.

ClinVar aggregate classification (germline): Uncertain significance (1 of 4 stars; one submission).

Conditions:
Glycogen storage disease IXd (GSD9D). Also called: Muscle Phosphorylase Kinase Deficiency; GSD IXd. Identifiers: Orphanet 715, MedGen C1845151, MONDO:0010362, OMIM 300559.

Submission:

Labcorp Genetics (formerly Invitae), Labcorp
Classification: Uncertain significance for Glycogen storage disease IXd. Last evaluated: 2023-05-02. Review status: criteria provided, single submitter. Criteria: Invitae Variant Classification Sherloc (09022015). Collection method: clinical testing. Allele origin: germline.
Comment: In summary, the available evidence is currently insufficient to determine the role of this variant in disease. Therefore, it has been classified as a Variant of Uncertain Significance. Advanced modeling of protein sequence and biophysical properties (such as structural, functional, and spatial information, amino acid conservation, physicochemical variation, residue mobility, and thermodynamic stability) performed at Invitae indicates that this missense variant is expected to disrupt PHKA1 protein function. This sequence change replaces histidine, which is basic and polar, with glutamine, which is neutral and polar, at codon 850 of the PHKA1 protein (p.His850Gln). This variant is not present in population databases (gnomAD no frequency). This variant has not been reported in the literature in individuals affected with PHKA1-related conditions.